The following is an entry in ClinVar:

NM_000387.6(SLC25A20):c.894C>A (p.Thr298=)

Gene: SLC25A20 (solute carrier family 25 member 20; minus strand). Cytogenetic location: 3p21.31.
Variant type: single nucleotide variant.
Coding change: c.894C>A on transcript NM_000387.6 (MANE Select); coding-DNA position 894, C replaced by A.
Protein change: p.Thr298=; no amino-acid change (threonine 298 retained).
Molecular consequence: synonymous variant.
Genome position (GRCh38, 1-based): chr3:48,857,722, G>T on the plus strand (C>A on the coding strand, the complement: SLC25A20 is on the minus strand). VCF-style: chr3-48857722-G-T. GRCh37 (hg19) VCF-style: chr3-48895155-G-T.
Identifiers: ClinVar variation 903641 (VCV000903641.9), dbSNP rs766966542, ClinGen allele CA2387247.
Genomic context (GRCh38, chr3:48,857,722, plus strand): 5'-CAACGACAGCTTCCAGCATCCAGAAGTGAACTTGAGCAGCCTTCAGCCTCACAAGTTGGG[G>T]GTGGCCCAATTAAGGAACTTCATGGCAACTTCAAAGCCAAGGAAACAGGCCTAAGAAGGG-3'
Protein context (NP_000378.1, residues 288-301): EVAMKFLNWA[Thr298=]PNL

ClinVar aggregate classification (germline): Conflicting classifications of pathogenicity. Review status: criteria provided, conflicting classifications (1 of 4 stars). 3 submissions from 3 submitters: Uncertain significance (1); Likely benign (1). 1 of the submissions does not count toward it. Last evaluated 2025-12-27.

Conditions:
Carnitine acylcarnitine translocase deficiency (CACTD). Identifiers: Orphanet 159, MedGen C0342791, MONDO:0008918, OMIM 212138.
SLC25A20-related disorder. Also called: SLC25A20-related condition.

Allele frequency attached by ClinVar (database versions not stated): ExAC 0.00003; gnomAD exomes 0.00013 and 0.00002; gnomAD 0.00002; TOPMed 0.00002.

Submissions (3):

Labcorp Genetics (formerly Invitae), Labcorp
Classification: Likely benign for Carnitine acylcarnitine translocase deficiency. Last evaluated: 2025-12-27. Review status: criteria provided, single submitter. Criteria: Invitae Variant Classification Sherloc (09022015). Collection method: clinical testing. Allele origin: germline.

Illumina Laboratory Services, Illumina
Classification: Uncertain significance for Carnitine acylcarnitine translocase deficiency. Last evaluated: 2017-04-27. Review status: criteria provided, single submitter. Criteria: ICSL Variant Classification Criteria 13 December 2019. Collection method: clinical testing. Allele origin: germline.

PreventionGenetics, part of Exact Sciences
Classification: Likely benign for SLC25A20-related condition. Last evaluated: 2021-01-27. Review status: no assertion criteria provided. Collection method: clinical testing. Allele origin: germline. Not counted in ClinVar's aggregate classification.
Comment: This variant is classified as likely benign based on ACMG/AMP sequence variant interpretation guidelines (Richards et al. 2015 PMID: 25741868, with internal and published modifications).